The following is an entry in ClinVar:

ClinVar aggregate classification (germline): Benign/Likely benign. Review status: criteria provided, multiple submitters, no conflicts (2 of 4 stars). 5 submissions from 5 submitters: Benign (3); Likely benign (2). Last evaluated 2026-09-14.

Conditions:
ARMC5-related disorder. Also called: ARMC5-related condition.

Allele frequency attached by ClinVar (database versions not stated): TOPMed 0.00359; 1000 Genomes Project 30x 0.00375; gnomAD exomes 0.00032 and 0.00077; ExAC 0.00098; 1000 Genomes Project 0.00319; ESP Exome Variant Server 0.00325; gnomAD 0.00326 and 0.00350.
gnomAD v4.1: 975 of 1,602,860 alleles (0.061%); highest among the groups gnomAD compares: African/African-American, 1.2%; 4 homozygotes.

Submissions (5):

PreventionGenetics, part of Exact Sciences
Classification: Benign for ARMC5-related condition. Last evaluated: 2026-09-14. Review status: criteria provided, single submitter. Criteria: ACMG Guidelines, 2015. Collection method: clinical testing. Allele origin: germline.
Comment: This variant is classified as benign based on ACMG/AMP sequence variant interpretation guidelines (Richards et al. 2015 PMID: 25741868, with internal and published modifications).

CeGaT Center for Human Genetics Tuebingen
Classification: Likely benign. Last evaluated: 2026-09-01. Review status: criteria provided, single submitter. Criteria: CeGaT Center For Human Genetics Tuebingen Variant Classification Criteria Version 2. Collection method: clinical testing. Allele origin: germline. Affected: yes. Observed: 1 variant allele.
Comment: ARMC5: BP4, BP7, BS1

Blueprint Genetics
Classification: Likely benign. Last evaluated: 2024-11-27. Review status: criteria provided, single submitter. Criteria: ACMG Guidelines, 2015. Collection method: clinical testing. Allele origin: germline.

Labcorp Genetics (formerly Invitae), Labcorp
Classification: Benign. Last evaluated: 2018-04-24. Review status: criteria provided, single submitter. Criteria: Invitae Variant Classification Sherloc (09022015). Collection method: clinical testing. Allele origin: germline.

Breakthrough Genomics
Classification: Benign. Review status: criteria provided, single submitter. Criteria: ACMG Guidelines, 2015. Collection method: not provided. Allele origin: germline. Inheritance: Autosomal dominant inheritance. Affected: yes.

NM_001105247.2(ARMC5):c.63G>A (p.Ala21=)

Gene: ARMC5 (armadillo repeat containing 5; plus strand). Cytogenetic location: 16p11.2.
Variant type: single nucleotide variant.
Coding change: c.63G>A on transcript NM_001105247.2 (MANE Select); coding-DNA position 63, G replaced by A.
Protein change: p.Ala21=; no amino-acid change (alanine 21 retained).
Molecular consequence: synonymous variant.
Genome position (GRCh38, 1-based): chr16:31,459,587, G>A. VCF-style: chr16-31459587-G-A. GRCh37 (hg19) VCF-style: chr16-31470908-G-A.
Other names: c.348G>A, p.Ala116= (NM_001288767.2); c.159G>A, p.Ala53= (NM_001301820.1); c.63G>A, p.Ala21= (NM_024742.2); c.348G>A (NM_001288767.1).
Identifiers: ClinVar variation 790703 (VCV000790703.7), dbSNP rs375181224, ClinGen allele CA8029334.
Genomic context (GRCh38, chr16:31,459,587, plus strand): 5'-GGCGGCTGCGAAGCCAACCCTCACGGACTCGCTCTCGTTCTGCCTCGCGCAGCTCGCGGC[G>A]GCGGCCGGGGAGGCTCTGGGTGGGGAAAAGGACCCAGCGACCAACGAGACACCCCTGAGC-3'
Protein context (NP_001098717.1, residues 11-31): SLSFCLAQLA[Ala21=]AAGEALGGEK